The following is an entry in ClinVar:

ClinVar aggregate classification (germline): Uncertain significance (1 of 4 stars; one submission).

Conditions:
Ehlers-Danlos syndrome, classic type, 1 (EDSCL1). Also called: EDS I; EHLERS-DANLOS SYNDROME, GRAVIS TYPE; EHLERS-DANLOS SYNDROME, SEVERE CLASSIC TYPE; Ehlers-Danlos syndrome, type 1; Ehlers-Danlos Syndrome, Classic Type, COL5A1-Related. Identifiers: MedGen C0268335, MONDO:0019567, OMIM 130000.

gnomAD v4.1: 2 of 1,550,618 alleles (0.00013%); highest among the groups gnomAD compares: Non-Finnish European, 0.00017%; no homozygotes.

Submission:

Labcorp Genetics (formerly Invitae), Labcorp
Classification: Uncertain significance for Ehlers-Danlos syndrome, classic type, 1. Last evaluated: 2025-03-31. Review status: criteria provided, single submitter. Criteria: Invitae Variant Classification Sherloc (09022015). Collection method: clinical testing. Allele origin: germline.
Comment: This sequence change replaces alanine, which is neutral and non-polar, with serine, which is neutral and polar, at codon 1098 of the COL5A1 protein (p.Ala1098Ser). This variant is not present in population databases (gnomAD no frequency). This variant has not been reported in the literature in individuals affected with COL5A1-related conditions. ClinVar contains an entry for this variant (Variation ID: 2918814). Invitae Evidence Modeling of protein sequence and biophysical properties (such as structural, functional, and spatial information, amino acid conservation, physicochemical variation, residue mobility, and thermodynamic stability) indicates that this missense variant is not expected to disrupt COL5A1 protein function with a negative predictive value of 95%. In summary, the available evidence is currently insufficient to determine the role of this variant in disease. Therefore, it has been classified as a Variant of Uncertain Significance.

NM_000093.5(COL5A1):c.3292G>T (p.Ala1098Ser)

Gene: COL5A1 (collagen type V alpha 1 chain; plus strand). Cytogenetic location: 9q34.3.
Variant type: single nucleotide variant.
Coding change: c.3292G>T on transcript NM_000093.5 (MANE Select); coding-DNA position 3292, G replaced by T.
Protein change: p.Ala1098Ser; replaces alanine 1098 with serine.
Molecular consequence: missense variant.
Genome position (GRCh38, 1-based): chr9:134,806,222, G>T. VCF-style: chr9-134806222-G-T. GRCh37 (hg19) VCF-style: chr9-137698068-G-T.
Other names: c.3292G>T, p.Ala1098Ser (NM_001278074.1); short protein forms A1098S.
Identifiers: ClinVar variation 2918814 (VCV002918814.3), dbSNP rs772521985, ClinGen allele CA375451679.